The following is an entry in ClinVar:

ClinVar aggregate classification (germline): Uncertain significance. Review status: criteria provided, multiple submitters, no conflicts (2 of 4 stars). 3 submissions from 3 submitters: Uncertain significance (3). Last evaluated 2025-12-16.

Conditions:
Cardiovascular phenotype. Identifiers: MedGen CN230736.
Long QT syndrome (LQTS). Identifiers: MedGen C0023976, MeSH D008133, MONDO:0002442. Disease mechanism: loss of function. Inheritance: Various modes of inheritance.

Allele frequency attached by ClinVar (database versions not stated): TOPMed below 0.00001; gnomAD 0.00001; gnomAD exomes 0.00001.
gnomAD v4.1: 7 of 1,611,968 alleles (0.00043%); highest among the groups gnomAD compares: Non-Finnish European, 0.00059%; no homozygotes.

Submissions (3):

Ambry Genetics
Classification: Uncertain significance for Cardiovascular phenotype. Last evaluated: 2025-12-16. Review status: criteria provided, single submitter. Criteria: Ambry Variant Classification Scheme 2023. Collection method: clinical testing. Allele origin: germline.
Comment: The p.G2109R variant (also known as c.6325G>A), located in coding exon 47 of the CACNA1C gene, results from a G to A substitution at nucleotide position 6325. The glycine at codon 2109 is replaced by arginine, an amino acid with dissimilar properties. This amino acid position is conserved. In addition, this alteration is predicted to be tolerated by in silico analysis. Based on the available evidence, the clinical significance of this variant remains unclear.

Labcorp Genetics (formerly Invitae), Labcorp
Classification: Uncertain significance for Long QT syndrome. Last evaluated: 2025-09-15. Review status: criteria provided, single submitter. Criteria: Invitae Variant Classification Sherloc (09022015). Collection method: clinical testing. Allele origin: germline.
Comment: This sequence change replaces glycine, which is neutral and non-polar, with arginine, which is basic and polar, at codon 2109 of the CACNA1C protein (p.Gly2109Arg). This variant is not present in population databases (gnomAD no frequency). This variant has not been reported in the literature in individuals affected with CACNA1C-related conditions. ClinVar contains an entry for this variant (Variation ID: 2418467). Invitae Evidence Modeling of protein sequence and biophysical properties (such as structural, functional, and spatial information, amino acid conservation, physicochemical variation, residue mobility, and thermodynamic stability) indicates that this missense variant is not expected to disrupt CACNA1C protein function with a negative predictive value of 95%. In summary, the available evidence is currently insufficient to determine the role of this variant in disease. Therefore, it has been classified as a Variant of Uncertain Significance.

Revvity Omics, Revvity
Classification: Uncertain significance. Last evaluated: 2023-06-26. Review status: criteria provided, single submitter. Criteria: ACMG Guidelines, 2015. Collection method: clinical testing. Allele origin: germline.

NM_000719.7(CACNA1C):c.6325G>A (p.Gly2109Arg)

Genes: CACNA1C (calcium voltage-gated channel subunit alpha1 C; plus strand), CACNA1C-AS1 (CACNA1C antisense RNA 1; minus strand). Cytogenetic location: 12p13.33.
Variant type: single nucleotide variant.
Coding change: c.6325G>A on transcript NM_000719.7 (MANE Select); coding-DNA position 6325, G replaced by A.
Protein change: p.Gly2109Arg; replaces glycine 2109 with arginine.
Molecular consequence: missense variant. On other transcripts: non-coding transcript variant (1).
Genome position (GRCh38, 1-based): chr12:2,691,107, G>A. VCF-style: chr12-2691107-G-A. GRCh37 (hg19) VCF-style: chr12-2800273-G-A.
Other names: c.6469G>A, p.Gly2157Arg (NM_001129827.2); c.6448G>A, p.Gly2150Arg (NM_001129829.2); c.6430G>A, p.Gly2144Arg (NM_001129830.3, NM_001167624.3); c.6409G>A, p.Gly2137Arg (NM_001129831.2); c.6385G>A, p.Gly2129Arg (NM_001129832.2); c.6382G>A, p.Gly2128Arg (NM_001129833.2, NM_001129834.2, NM_001129835.2); c.6376G>A, p.Gly2126Arg (NM_001129836.2); c.6349G>A, p.Gly2117Arg (NM_001129837.2, NM_001129838.2); and 6 more; short protein forms G2098R, G2106R, G2109R, G2115R, G2117R, G2126R, G2128R, G2129R.
Identifiers: ClinVar variation 2418467 (VCV002418467.12), dbSNP rs1455199573, ClinGen allele CA383387303.